The following is an entry in ClinVar:

NM_006929.5(SKIC2):c.2203-1G>C

Gene: SKIC2 (SKI2 subunit of superkiller complex; plus strand). Cytogenetic location: 6p21.33.
Variant type: single nucleotide variant.
Coding change: c.2203-1G>C on transcript NM_006929.5 (MANE Select); the canonical splice acceptor site of the intron before coding-DNA position 2203, G replaced by C.
Molecular consequence: splice acceptor variant.
Genome position (GRCh38, 1-based): chr6:31,966,708, G>C. VCF-style: chr6-31966708-G-C. GRCh37 (hg19) VCF-style: chr6-31934485-G-C.
Identifiers: ClinVar variation 2734838 (VCV002734838.4), dbSNP rs144714933, ClinGen allele CA3729713.

ClinVar aggregate classification (germline): Pathogenic (1 of 4 stars; one submission).

Allele frequency attached by ClinVar (database versions not stated): ExAC 0.00001.
gnomAD v4.1: 1 of 1,614,038 alleles (0.000062%); highest among the groups gnomAD compares: Non-Finnish European, 0.000085%; no homozygotes.

Submissions (2):

Labcorp Genetics (formerly Invitae), Labcorp
Classification: Pathogenic. Last evaluated: 2023-12-09. Review status: criteria provided, single submitter. Criteria: Invitae Variant Classification Sherloc (09022015). Collection method: clinical testing. Allele origin: germline.
Comment: This sequence change affects an acceptor splice site in intron 18 of the SKIV2L gene. It is expected to disrupt RNA splicing. Variants that disrupt the donor or acceptor splice site typically lead to a loss of protein function (PMID: 16199547), and loss-of-function variants in SKIV2L are known to be pathogenic (PMID: 22444670). This variant is present in population databases (rs144714933, gnomAD 0.007%). Disruption of this splice site has been observed in individual(s) with clinical features of trichohepatoenteric syndrome (PMID: 28496993, 31681265). In at least one individual the data is consistent with being in trans (on the opposite chromosome) from a pathogenic variant. Algorithms developed to predict the effect of sequence changes on RNA splicing suggest that this variant may disrupt the consensus splice site. For these reasons, this variant has been classified as Pathogenic.

Dr. Peter K. Rogan Lab, Western University
No classification provided (evidence only). Condition: Uterine corpus endometrial carcinoma. Review status: no classification provided. Collection method: in vitro. Allele origin: not applicable. Functional consequence: retained intron. Not counted in ClinVar's aggregate classification.

Literature cited by the submitters: PubMed 16199547 (cited by Labcorp Genetics (formerly Invitae), Labcorp); PubMed 22444670 (cited by Labcorp Genetics (formerly Invitae), Labcorp); PubMed 28496993 (cited by Labcorp Genetics (formerly Invitae), Labcorp); PubMed 31681265 (cited by Labcorp Genetics (formerly Invitae), Labcorp).